The following is an entry in ClinVar:

NM_153266.4(TMEM151A):c.290G>C (p.Gly97Ala)

Gene: TMEM151A (transmembrane protein 151A; plus strand). Cytogenetic location: 11q13.2.
Variant type: single nucleotide variant.
Coding change: c.290G>C on transcript NM_153266.4 (MANE Select); coding-DNA position 290, G replaced by C.
Protein change: p.Gly97Ala; replaces glycine 97 with alanine.
Molecular consequence: missense variant.
Genome position (GRCh38, 1-based): chr11:66,294,536, G>C. VCF-style: chr11-66294536-G-C. GRCh37 (hg19) VCF-style: chr11-66062007-G-C.
Other names: short protein forms G97A.
Identifiers: ClinVar variation 5004955 (VCV005004955.2).
Genomic context (GRCh38, chr11:66,294,536, plus strand): 5'-CCTTGGCCCGGGGAGCCGGGGGCCCGCCACCGACCTACCCGGCCAGCCCCTGCTCCGATG[G>C]CTACCTGTACATCCCGCTGGCCTTCGTCTCCCTCCTCTACCTCCTCTACCTGGCTGAGTG-3'
Protein context (NP_694998.1, residues 87-107): PTYPASPCSD[Gly97Ala]YLYIPLAFVS

ClinVar aggregate classification (germline): Uncertain significance (1 of 4 stars; one submission).

Conditions:
Episodic kinesigenic dyskinesia 3 (EKD3). Also called: DYSTONIA 36. Identifiers: MedGen C5830280, MONDO:0859380, OMIM 620245.

Submission:

Juno Genomics, Hangzhou Juno Genomics, Inc
Classification: Uncertain significance for Episodic kinesigenic dyskinesia 3. Review status: criteria provided, single submitter. Criteria: ACMG Guidelines, 2015. Collection method: clinical testing. Allele origin: germline.
Comment: Absent from controls (or at extremely low frequency if recessive) in Genome Aggregation Database.